The following is an entry in ClinVar:

ClinVar aggregate classification (germline): Likely pathogenic. Review status: criteria provided, multiple submitters, no conflicts (2 of 4 stars). 3 submissions from 3 submitters: Likely pathogenic (2). 1 of the submissions does not count toward it. Last evaluated 2024-01-04.

Conditions:
Breast-ovarian cancer, familial, susceptibility to, 4. Identifiers: Orphanet 145, MedGen C3280345, MONDO:0013669, OMIM 614291.
Gastric cancer. Also called: Malignant tumor of stomach; Stomach cancer. Identifiers: MedGen C0024623, MeSH D013274, MONDO:0001056, OMIM 613659, HP:0012126.
Hereditary cancer-predisposing syndrome. Also called: Neoplastic Syndromes, Hereditary; Hereditary neoplastic syndrome; Hereditary Cancer Syndrome; Tumor predisposition. Identifiers: Orphanet 140162, MedGen C0027672, MeSH D009386, MONDO:0015356.

Submissions (3):

Myriad Genetics, Inc.
Classification: Likely pathogenic for Breast-ovarian cancer, familial, susceptibility to, 4. Last evaluated: 2024-01-04. Review status: criteria provided, single submitter. Criteria: Myriad Autosomal Dominant, Autosomal Recessive and X-Linked Classification Criteria (2023). Collection method: clinical testing. Allele origin: unknown.
Comment: This variant is considered likely pathogenic. This variant occurs within a consensus splice junction and is predicted to result in abnormal mRNA splicing of either an out-of-frame exon or an in-frame exon necessary for protein stability and/or normal function.

Ambry Genetics
Classification: Likely pathogenic for Hereditary cancer-predisposing syndrome. Last evaluated: 2022-12-11. Review status: criteria provided, single submitter. Criteria: Ambry Variant Classification Scheme 2023. Collection method: clinical testing. Allele origin: germline.
Comment: The c.144+1dupG intronic variant results from a duplication of one nucleotide at nucleotide position 144+1 after coding exon 2 of the RAD51D gene. This variant was present in 0/1005 Japanese pancreatic cancer patients and in 3/23705 controls (Mizukami K et al. EBioMedicine, 2020 Oct;60:103033). This nucleotide position is highly conserved in available vertebrate species. In silico splice site analysis predicts that this alteration will weaken the native splice donor site and will result in the creation or strengthening of a novel splice donor site. Based on the majority of available evidence to date, this variant is likely to be pathogenic.

Laboratory for Genotyping Development, RIKEN
Classification: Pathogenic for Gastric cancer. Last evaluated: 2021-07-01. Review status: no assertion criteria provided. Collection method: research. Allele origin: germline. Not counted in ClinVar's aggregate classification.

Literature cited by the submitters: PubMed 32980694 (cited by Ambry Genetics); PubMed 36988593 (cited by Laboratory for Genotyping Development, RIKEN).

NM_002878.4(RAD51D):c.144+1dup

Genes: RAD51D (RAD51 paralog D; minus strand), RAD51L3-RFFL (RAD51L3-RFFL readthrough; minus strand). Cytogenetic location: 17q12.
Variant type: Duplication.
Coding change: c.144+1dup on transcript NM_002878.4 (MANE Select); the canonical splice donor site of the intron after coding-DNA position 144, one base duplicated (G; older notation c.144+1dupG).
Molecular consequence: splice donor variant.
Genome position (GRCh38, 1-based): chr17:35,119,110, C duplicated on the plus strand (G on the coding strand, the reverse complement: RAD51D is on the minus strand); the first of 2 consecutive C bases (chr17:35,119,110-35,119,111); duplicating either gives the same sequence. VCF-style (leftmost placement, unchanged base first): chr17-35119109-A-AC. GRCh37 (hg19) VCF-style: chr17-33446128-A-AC.
Other names: c.144+1dup (NM_133629.3, NM_001142571.2).
Identifiers: ClinVar variation 1801567 (VCV001801567.2), dbSNP rs2142477116, ClinGen allele CA2580093245.